The following is an entry in ClinVar:

ClinVar aggregate classification (germline): Pathogenic (1 of 4 stars; one submission).

Submission:

Labcorp Genetics (formerly Invitae), Labcorp
Classification: Pathogenic. Last evaluated: 2022-11-23. Review status: criteria provided, single submitter. Criteria: Invitae Variant Classification Sherloc (09022015). Collection method: clinical testing. Allele origin: germline.
Comment: For these reasons, this variant has been classified as Pathogenic. This premature translational stop signal has been observed in individual(s) with clinical features of primary hyperoxaluria (PMID: 25629080). This variant is not present in population databases (gnomAD no frequency). This sequence change creates a premature translational stop signal (p.Ser158Cysfs*54) in the AGXT gene. It is expected to result in an absent or disrupted protein product. Loss-of-function variants in AGXT are known to be pathogenic (PMID: 19479957).

Literature cited by the submitters: PubMed 25629080; PubMed 19479957.

NM_000030.3(AGXT):c.473del (p.Ser158fs)

Gene: AGXT (alanine--glyoxylate aminotransferase; plus strand). Cytogenetic location: 2q37.3.
Variant type: Deletion.
Coding change: c.473del on transcript NM_000030.3 (MANE Select); coding-DNA position 473, one base deleted (C; older notation c.473delC).
Protein change: p.Ser158fs; shifts the reading frame from serine 158.
Molecular consequence: frameshift variant.
Genome position (GRCh38, 1-based): chr2:240,871,398, C deleted. VCF-style (leftmost placement, unchanged base first): chr2-240871397-TC-T. GRCh37 (hg19) VCF-style: chr2-241810814-TC-T.
Other names: short protein forms S158fs.
Identifiers: ClinVar variation 2734437 (VCV002734437.3), dbSNP rs2528744782, ClinGen allele CA2586971635.
Genomic context (GRCh38, chr2:240,871,397, plus strand): 5'-CTGCTTCCTCAGGGCCTGGCCCAGCACAAGCCAGTGCTGCTGTTCTTAACCCACGGGGAG[TC>T]GTCCACCGGCGTGCTGCAGCCCCTTGATGGCTTCGGGGAACTCTGCCACAGGTGAGCCTG-3'